The following is an entry in ClinVar:

NM_024408.4(NOTCH2):c.7190C>G (p.Ala2397Gly)

Gene: NOTCH2 (notch receptor 2; minus strand). Cytogenetic location: 1p12.
Variant type: single nucleotide variant.
Coding change: c.7190C>G on transcript NM_024408.4 (MANE Select); coding-DNA position 7190, C replaced by G.
Protein change: p.Ala2397Gly; replaces alanine 2397 with glycine.
Molecular consequence: missense variant.
Genome position (GRCh38, 1-based): chr1:119,915,532, G>C on the plus strand (C>G on the coding strand, the complement: NOTCH2 is on the minus strand). VCF-style: chr1-119915532-G-C. GRCh37 (hg19) VCF-style: chr1-120458155-G-C.
Other names: short protein forms A2397G.
Identifiers: ClinVar variation 134984 (VCV000134984.8), dbSNP rs143197714, ClinGen allele CA161295.

ClinVar aggregate classification (germline): Uncertain significance. Review status: criteria provided, multiple submitters, no conflicts (2 of 4 stars). 3 submissions from 3 submitters: Uncertain significance (2). 1 of the submissions does not count toward it. Last evaluated 2025-06-12.

Conditions:
Alagille syndrome due to a NOTCH2 point mutation. Also called: Alagille syndrome 2. Identifiers: Orphanet 261629, Orphanet 52, MedGen C1857761, MONDO:0012439, OMIM 610205.
Hajdu-Cheney syndrome (HJCYS). Also called: ACROOSTEOLYSIS WITH OSTEOPOROSIS AND CHANGES IN SKULL AND MANDIBLE; Acroosteolysis dominant type; SERPENTINE FIBULA-POLYCYSTIC KIDNEY SYNDROME. Identifiers: Orphanet 955, MedGen C0917715, MONDO:0007057, OMIM 102500.

Allele frequency attached by ClinVar (database versions not stated): gnomAD exomes below 0.00001 and 0.00001; ExAC 0.00001; ESP Exome Variant Server 0.00008; gnomAD 0.00009; TOPMed 0.00009.
gnomAD v4.1: 16 of 1,614,014 alleles (0.00099%); highest among the groups gnomAD compares: African/African-American, 0.02%; no homozygotes.

Submissions (3):

Labcorp Genetics (formerly Invitae), Labcorp
Classification: Uncertain significance for Hajdu-Cheney syndrome. Last evaluated: 2025-06-12. Review status: criteria provided, single submitter. Criteria: Invitae Variant Classification Sherloc (09022015). Collection method: clinical testing. Allele origin: germline.
Comment: This sequence change replaces alanine, which is neutral and non-polar, with glycine, which is neutral and non-polar, at codon 2397 of the NOTCH2 protein (p.Ala2397Gly). This variant is present in population databases (rs143197714, gnomAD 0.01%). This variant has not been reported in the literature in individuals affected with NOTCH2-related conditions. ClinVar contains an entry for this variant (Variation ID: 134984). Invitae Evidence Modeling of protein sequence and biophysical properties (such as structural, functional, and spatial information, amino acid conservation, physicochemical variation, residue mobility, and thermodynamic stability) indicates that this missense variant is not expected to disrupt NOTCH2 protein function with a negative predictive value of 95%. In summary, the available evidence is currently insufficient to determine the role of this variant in disease. Therefore, it has been classified as a Variant of Uncertain Significance.

Fulgent Genetics
Classification: Uncertain significance for Hajdu-Cheney syndrome; Alagille syndrome due to a NOTCH2 point mutation. Last evaluated: 2021-07-06. Review status: criteria provided, single submitter. Criteria: ACMG Guidelines, 2015. Collection method: clinical testing. Allele origin: unknown.

ITMI
No classification provided. Condition: AllHighlyPenetrant. Last evaluated: 2013-09-19. Review status: no classification provided. Collection method: reference population. Allele origin: germline. Not counted in ClinVar's aggregate classification.
Comment: Please see associated publication for description of ethnicities

Literature cited by the submitters: PubMed 24728327 (cited by ITMI).